The following is an entry in ClinVar:

ClinVar aggregate classification (germline): Uncertain significance (1 of 4 stars; one submission).

Conditions:
Hypertrophic cardiomyopathy. Also called: HYPERTROPHIC MYOCARDIOPATHY. Identifiers: Orphanet 217569, MedGen C0007194, MeSH D002312, MONDO:0005045, HP:0001639.

Submission:

Labcorp Genetics (formerly Invitae), Labcorp
Classification: Uncertain significance for Hypertrophic cardiomyopathy. Last evaluated: 2024-01-08. Review status: criteria provided, single submitter. Criteria: Invitae Variant Classification Sherloc (09022015). Collection method: clinical testing. Allele origin: germline.
Comment: This sequence change replaces alanine, which is neutral and non-polar, with valine, which is neutral and non-polar, at codon 1663 of the MYH7 protein (p.Ala1663Val). This variant is not present in population databases (gnomAD no frequency). This variant has not been reported in the literature in individuals affected with MYH7-related conditions. ClinVar contains an entry for this variant (Variation ID: 1473899). Advanced modeling of protein sequence and biophysical properties (such as structural, functional, and spatial information, amino acid conservation, physicochemical variation, residue mobility, and thermodynamic stability) performed at Invitae indicates that this missense variant is not expected to disrupt MYH7 protein function with a negative predictive value of 95%. In summary, the available evidence is currently insufficient to determine the role of this variant in disease. Therefore, it has been classified as a Variant of Uncertain Significance.

NM_000257.4(MYH7):c.4988C>T (p.Ala1663Val)

Genes: MHRT (myosin heavy chain associated RNA transcript; plus strand), MYH7 (myosin heavy chain 7; minus strand), LOC126861897 (BRD4-independent group 4 enhancer GRCh37_chr14:23884455-23885654; plus strand). Cytogenetic location: 14q11.2.
Variant type: single nucleotide variant.
Coding change: c.4988C>T on transcript NM_000257.4 (MANE Select); coding-DNA position 4988, C replaced by T.
Protein change: p.Ala1663Val; replaces alanine 1663 with valine.
Molecular consequence: missense variant. On other transcripts: non-coding transcript variant (1).
Genome position (GRCh38, 1-based): chr14:23,415,798, G>A on the plus strand (C>T on the coding strand, the complement: MYH7 is on the minus strand). VCF-style: chr14-23415798-G-A. GRCh37 (hg19) VCF-style: chr14-23885007-G-A.
Other names: short protein forms A1663V.
Identifiers: ClinVar variation 1473899 (VCV001473899.8), dbSNP rs1892175888, ClinGen allele CA389037189.
Genomic context (GRCh38, chr14:23,415,798, plus strand): 5'-GCCTGCAGCAGGTTGTTGCGCCGCTCCACGATGGCGATGTTCTCCTTCAGGTCGTCGTTG[G>A]CACGGACTGCATCGTCCAGCTGAATCTGGGTGTCCTGAGGATCAGGAGAGTGGGCATGAG-3'
Protein context (NP_000248.2, residues 1653-1673): TQIQLDDAVR[Ala1663Val]NDDLKENIAI